The following is an entry in ClinVar:

NM_001003800.2(BICD2):c.2058G>T (p.Lys686Asn)

Gene: BICD2 (BICD cargo adaptor 2; minus strand). Cytogenetic location: 9q22.31.
Variant type: single nucleotide variant.
Coding change: c.2058G>T on transcript NM_001003800.2 (MANE Select); coding-DNA position 2058, G replaced by T.
Protein change: p.Lys686Asn; replaces lysine 686 with asparagine.
Molecular consequence: missense variant.
Genome position (GRCh38, 1-based): chr9:92,718,587, C>A on the plus strand (G>T on the coding strand, the complement: BICD2 is on the minus strand). VCF-style: chr9-92718587-C-A. GRCh37 (hg19) VCF-style: chr9-95480869-C-A.
Other names: c.2058G>T, p.Lys686Asn (NM_015250.4); short protein forms K686N.
Identifiers: ClinVar variation 1018827 (VCV001018827.9), dbSNP rs376312313, ClinGen allele CA374034006.
Genomic context (GRCh38, chr9:92,718,587, plus strand): 5'-CTGGCACCTCACCTGCTTGTTGGCCTTGAGCACAGTGCGCAGCGTGGTGATCTGCTCCCG[C>A]TTGGTGCTGAGCAGCGACTTCAGCTTGAGGATCTCCTCCATAAGCGCTTCCTTGTCCTTG-3'
Protein context (NP_001003800.1, residues 676-696): ILKLKSLLST[Lys686Asn]REQITTLRTV

ClinVar aggregate classification (germline): Likely pathogenic (1 of 4 stars; one submission).

Conditions:
Autosomal dominant childhood-onset proximal spinal muscular atrophy with contractures (SMALED2A). Also called: SPINAL MUSCULAR ATROPHY, LOWER EXTREMITY-PREDOMINANT, 2A, CHILDHOOD ONSET, AUTOSOMAL DOMINANT; Spinal muscular atrophy, lower extremity-predominant, 2A, autosomal dominant. Identifiers: Orphanet 363447, Orphanet 363454, MedGen C4747715, MONDO:0014121, OMIM 615290.

Submission:

Labcorp Genetics (formerly Invitae), Labcorp
Classification: Likely pathogenic for Autosomal dominant childhood-onset proximal spinal muscular atrophy with contractures. Last evaluated: 2023-09-25. Review status: criteria provided, single submitter. Criteria: Invitae Variant Classification Sherloc (09022015). Collection method: clinical testing. Allele origin: germline.
Comment: ClinVar contains an entry for this variant (Variation ID: 1018827). In summary, the currently available evidence indicates that the variant is pathogenic, but additional data are needed to prove that conclusively. Therefore, this variant has been classified as Likely Pathogenic. Advanced modeling of protein sequence and biophysical properties (such as structural, functional, and spatial information, amino acid conservation, physicochemical variation, residue mobility, and thermodynamic stability) performed at Invitae indicates that this missense variant is expected to disrupt BICD2 protein function. This missense change has been observed in individual(s) with BICD2-related conditions (Invitae). In at least one individual the variant was observed to be de novo. This variant is not present in population databases (gnomAD no frequency). This sequence change replaces lysine, which is basic and polar, with asparagine, which is neutral and polar, at codon 686 of the BICD2 protein (p.Lys686Asn).